The following is an entry in ClinVar:

NM_007194.4(CHEK2):c.831G>C (p.Leu277Phe)

Gene: CHEK2 (checkpoint kinase 2; minus strand). Cytogenetic location: 22q12.1.
Variant type: single nucleotide variant.
Coding change: c.831G>C on transcript NM_007194.4 (MANE Select); coding-DNA position 831, G replaced by C.
Protein change: p.Leu277Phe; replaces leucine 277 with phenylalanine.
Molecular consequence: missense variant.
Genome position (GRCh38, 1-based): chr22:28,710,021, C>G on the plus strand (G>C on the coding strand, the complement: CHEK2 is on the minus strand). VCF-style: chr22-28710021-C-G. GRCh37 (hg19) VCF-style: chr22-29106009-C-G.
Other names: c.960G>C, p.Leu320Phe (NM_001005735.3); c.168G>C, p.Leu56Phe (NM_001257387.3); c.630G>C, p.Leu210Phe (NM_001349956.3); c.831G>C, p.Leu277Phe (NM_145862.3); short protein forms L277F, L210F, L320F, L56F.
Identifiers: ClinVar variation 232325 (VCV000232325.16), dbSNP rs876659698, ClinGen allele CA10581074.
Genomic context (GRCh38, chr22:28,710,021, plus strand): 5'-TTTGAGATAGATAAATCTAAGTATGAGTCATATAATAATACTTACATGATTTAGCTTTTT[C>G]AAAATTTCTATTTCTGTTTCAACATTGAGAGCTGGGTCCTTTGATAAACAGAATAACAGA-3'
Protein context (NP_009125.1, residues 267-287): ALNVETEIEI[Leu277Phe]KKLNHPCIIK

ClinVar aggregate classification (germline): Uncertain significance. Review status: criteria provided, multiple submitters, no conflicts (2 of 4 stars). 4 submissions from 4 submitters: Uncertain significance (4). Last evaluated 2024-10-07.

Conditions:
Hereditary cancer-predisposing syndrome. Also called: Neoplastic Syndromes, Hereditary; Tumor predisposition; Hereditary Cancer Syndrome; Hereditary neoplastic syndrome. Identifiers: Orphanet 140162, MedGen C0027672, MeSH D009386, MONDO:0015356.
Familial cancer of breast. Also called: BREAST CANCER, FAMILIAL; hereditary breast carcinoma; Hereditary breast cancer. Identifiers: Orphanet 227535, MedGen C0346153, MONDO:0016419, OMIM 114480. Disease mechanism: loss of function.

gnomAD v4.1: 1 of 1,549,754 alleles (0.000065%); highest among the groups gnomAD compares: Non-Finnish European, 0.000089%; no homozygotes.

Submissions (4):

Molecular Diagnostics Laboratory, Catalan Institute of Oncology
Classification: Uncertain significance for Hereditary cancer-predisposing syndrome. Last evaluated: 2024-10-07. Review status: criteria provided, single submitter. Criteria: ACMG Guidelines, 2015. Collection method: clinical testing. Allele origin: germline.
Comment: PM2_Supporting, PM1 c.831G>C, located in exon 7 of the CHEK2 gene, is predicted to result in the substitution of leucine by phenyalanine at codon 277, p.(Leu277Phe). This variant affects a highly conserved amino acid of the kinase-domain (226-486 aa)(PM1). It is not present in the population database gnomAD v2.1.1, non cancer dataset (PM2_supporting). The SpliceAI algorithm predicts no significant impact on splicing. The REVEL meta-predictor score for this variant (0.419) suggests an intermediate effect on the protein function according Pejaver 2022 thresholds (PMID: 36413997). To our knowledge, neither relevant clinical data nor functional studies have been performed for this variant. It has been reported as an uncertain significance in ClinVar (3x uncertain significance) but is not present in the LOVD database. Based on currently available information, c.831G>C is classified as an uncertain significance variant according to ACMG guidelines.

Color Diagnostics, LLC DBA Color Health
Classification: Uncertain significance for Hereditary cancer-predisposing syndrome. Last evaluated: 2024-03-06. Review status: criteria provided, single submitter. Criteria: ACMG Guidelines, 2015. Collection method: clinical testing. Allele origin: germline.
Comment: This missense variant replaces leucine with phenylalanine at codon 277 of the CHEK2 protein. Computational prediction suggests that this variant may not impact protein structure and function (internally defined REVEL score threshold <= 0.5, PMID: 27666373). To our knowledge, functional studies have not been reported for this variant. This variant has not been reported in individuals affected with hereditary cancer in the literature. This variant has not been identified in the general population by the Genome Aggregation Database (gnomAD). The available evidence is insufficient to determine the role of this variant in disease conclusively. Therefore, this variant is classified as a Variant of Uncertain Significance.

Labcorp Genetics (formerly Invitae), Labcorp
Classification: Uncertain significance for Familial cancer of breast. Last evaluated: 2022-07-29. Review status: criteria provided, single submitter. Criteria: Invitae Variant Classification Sherloc (09022015). Collection method: clinical testing. Allele origin: germline.
Comment: In summary, the available evidence is currently insufficient to determine the role of this variant in disease. Therefore, it has been classified as a Variant of Uncertain Significance. This sequence change replaces leucine, which is neutral and non-polar, with phenylalanine, which is neutral and non-polar, at codon 277 of the CHEK2 protein (p.Leu277Phe). This variant is not present in population databases (gnomAD no frequency). This variant has not been reported in the literature in individuals affected with CHEK2-related conditions. ClinVar contains an entry for this variant (Variation ID: 232325). Algorithms developed to predict the effect of missense changes on protein structure and function are either unavailable or do not agree on the potential impact of this missense change (SIFT: "Tolerated"; PolyPhen-2: "Probably Damaging"; Align-GVGD: "Class C0").

Ambry Genetics
Classification: Uncertain significance for Hereditary cancer-predisposing syndrome. Last evaluated: 2015-06-08. Review status: criteria provided, single submitter. Criteria: Ambry Variant Classification Scheme 2023. Collection method: clinical testing. Allele origin: germline.
Comment: The p.L277F variant (also known as c.831G>C), located in coding exon 6 of the CHEK2 gene, results from a G to C substitution at nucleotide position 831. The leucine at codon 277 is replaced by phenylalanine, an amino acid with highly similar properties. This variant was not reported in population based cohorts in the following databases: Database of Single Nucleotide Polymorphisms (dbSNP), NHLBI Exome Sequencing Project (ESP), and 1000 Genomes Project. In the ESP, this variant was not observed in 6492 samples (12984 alleles) with coverage at this position. To date, this alteration has been detected with an allele frequency of approximately 0.001% (greater than 72000 alleles tested) in our clinical cohort. This nucleotide position is highly conserved in available vertebrate species. This amino acid position is highly conserved in available vertebrate species. In addition, the in silico prediction for this alteration is inconclusive. Since supporting evidence is limited at this time, the clinical significance of p.L277F remains unclear.